The following is an entry in ClinVar:

ClinVar aggregate classification (germline): Uncertain significance. Review status: criteria provided, multiple submitters, no conflicts (2 of 4 stars). 2 submissions from 2 submitters: Uncertain significance (2). Last evaluated 2025-02-05.

Conditions:
Inborn genetic diseases. Identifiers: MedGen C0950123, MeSH D030342.
SAMD9-related disorder. Also called: SAMD9-related condition.

Allele frequency attached by ClinVar (database versions not stated): gnomAD exomes below 0.00001; TOPMed below 0.00001; ExAC 0.00001.
gnomAD v4.1: 2 of 1,614,096 alleles (0.00012%); highest among the groups gnomAD compares: Admixed American, 0.0033%; no homozygotes.

Submissions (2):

Ambry Genetics
Classification: Uncertain significance for Inborn genetic diseases. Last evaluated: 2025-02-05. Review status: criteria provided, single submitter. Criteria: Ambry Variant Classification Scheme 2023. Collection method: clinical testing. Allele origin: germline.
Comment: The p.N202T variant (also known as c.605A>C), located in coding exon 1 of the SAMD9 gene, results from an A to C substitution at nucleotide position 605. The asparagine at codon 202 is replaced by threonine, an amino acid with similar properties. This amino acid position is conserved. In addition, this alteration is predicted to be tolerated by in silico analysis. Based on the available evidence, the clinical significance of this variant remains unclear.

PreventionGenetics, part of Exact Sciences
Classification: Uncertain significance for SAMD9-related condition. Last evaluated: 2023-02-16. Review status: criteria provided, single submitter. Criteria: ACMG Guidelines, 2015. Collection method: clinical testing. Allele origin: germline.
Comment: The SAMD9 c.605A>C variant is predicted to result in the amino acid substitution p.Asn202Thr. To our knowledge, this variant has not been reported in the literature. This variant is reported in 0.0058% of alleles in individuals of Latino descent in gnomAD. At this time, the clinical significance of this variant is uncertain due to the absence of conclusive functional and genetic evidence.

NM_017654.4(SAMD9):c.605A>C (p.Asn202Thr)

Gene: SAMD9 (sterile alpha motif domain containing 9; minus strand). Cytogenetic location: 7q21.2.
Variant type: single nucleotide variant.
Coding change: c.605A>C on transcript NM_017654.4 (MANE Select); coding-DNA position 605, A replaced by C.
Protein change: p.Asn202Thr; replaces asparagine 202 with threonine.
Molecular consequence: missense variant.
Genome position (GRCh38, 1-based): chr7:93,105,493, T>G on the plus strand (A>C on the coding strand, the complement: SAMD9 is on the minus strand). VCF-style: chr7-93105493-T-G. GRCh37 (hg19) VCF-style: chr7-92734806-T-G.
Other names: c.605A>C, p.Asn202Thr (NM_001193307.2); short protein forms N202T.
Identifiers: ClinVar variation 2630612 (VCV002630612.2), dbSNP rs774843282, ClinGen allele CA4343108.